The following is an entry in ClinVar:

ClinVar aggregate classification (germline): Uncertain significance (1 of 4 stars; one submission).

Submission:

Ambry Genetics
Classification: Uncertain significance. Last evaluated: 2026-04-27. Review status: criteria provided, single submitter. Criteria: Ambry Variant Classification Scheme 2023. Collection method: clinical testing. Allele origin: germline.
Comment: The p.Q1035K variant (also known as c.3103C>A), located in coding exon 18 of the PKP4 gene, results from a C to A substitution at nucleotide position 3103. The glutamine at codon 1035 is replaced by lysine, an amino acid with similar properties. This amino acid position is conserved. In addition, the in silico prediction for this alteration is inconclusive. Based on the available evidence, the clinical significance of this variant remains unclear.

NM_003628.6(PKP4):c.3103C>A (p.Gln1035Lys)

Genes: PKP4 (plakophilin 4; plus strand), PKP4-AS1 (PKP4 antisense RNA 1; minus strand). Cytogenetic location: 2q24.1.
Variant type: single nucleotide variant.
Coding change: c.3103C>A on transcript NM_003628.6 (MANE Select); coding-DNA position 3103, C replaced by A.
Protein change: p.Gln1035Lys; replaces glutamine 1035 with lysine.
Molecular consequence: missense variant.
Genome position (GRCh38, 1-based): chr2:158,673,976, C>A. VCF-style: chr2-158673976-C-A. GRCh37 (hg19) VCF-style: chr2-159530488-C-A.
Other names: c.3103C>A, p.Gln1035Lys (NM_001005476.4, NM_001377218.1, NM_001377225.1); c.3100C>A, p.Gln1034Lys (NM_001304969.3, NM_001377219.1, NM_001377220.1 and 2 more transcripts); c.2074C>A, p.Gln692Lys (NM_001304970.3); c.3097C>A, p.Gln1033Lys (NM_001377222.1, NM_001377223.1); c.3094C>A, p.Gln1032Lys (NM_001377224.1); short protein forms Q1032K, Q1033K, Q1034K, Q1035K, Q692K.
Identifiers: ClinVar variation 4862017 (VCV004862017.1).
Genomic context (GRCh38, chr2:158,673,976, plus strand): 5'-GTGTCGACATTGGAGCGAGACCGATTCAAATCACATCCTTCCTTGTCTACCACCAACCAA[C>A]AGATGTCACCCATCATTCAGTCAGGTCAGTGGGAAAATGCCACTCCTTGGCGAGAACCTT-3'
Protein context (NP_003619.2, residues 1025-1045): SHPSLSTTNQ[Gln1035Lys]MSPIIQSVGS